The following is an entry in ClinVar:

NM_014727.3(KMT2B):c.7848G>A (p.Lys2616=)

Gene: KMT2B (lysine methyltransferase 2B; plus strand). Cytogenetic location: 19q13.12.
Variant type: single nucleotide variant.
Coding change: c.7848G>A on transcript NM_014727.3 (MANE Select); coding-DNA position 7848, G replaced by A.
Protein change: p.Lys2616=; no amino-acid change (lysine 2616 retained).
Molecular consequence: synonymous variant.
Genome position (GRCh38, 1-based): chr19:35,738,167, G>A. VCF-style: chr19-35738167-G-A. GRCh37 (hg19) VCF-style: chr19-36229068-G-A.
Identifiers: ClinVar variation 2192607 (VCV002192607.11), dbSNP rs376248721, ClinGen allele CA9386046.

ClinVar aggregate classification (germline): Benign/Likely benign. Review status: criteria provided, multiple submitters, no conflicts (2 of 4 stars). 2 submissions from 2 submitters: Benign (1); Likely benign (1). Last evaluated 2025-08-11.

Allele frequency attached by ClinVar (database versions not stated): gnomAD exomes 0.00001; ExAC 0.00002; TOPMed 0.00004; gnomAD 0.00007; 1000 Genomes Project 0.00020; 1000 Genomes Project 30x 0.00031.
gnomAD v4.1: 26 of 1,613,888 alleles (0.0016%); highest among the groups gnomAD compares: African/African-American, 0.029%; 1 homozygote.

Submissions (2):

Labcorp Genetics (formerly Invitae), Labcorp
Classification: Benign. Last evaluated: 2025-08-11. Review status: criteria provided, single submitter. Criteria: Invitae Variant Classification Sherloc (09022015). Collection method: clinical testing. Allele origin: germline.

CeGaT Center for Human Genetics Tuebingen
Classification: Likely benign. Last evaluated: 2025-03-01. Review status: criteria provided, single submitter. Criteria: CeGaT Center For Human Genetics Tuebingen Variant Classification Criteria Version 2. Collection method: clinical testing. Allele origin: germline. Affected: yes. Observed: 1 variant allele.
Comment: KMT2B: BP4, BP7